The following is an entry in ClinVar:

ClinVar aggregate classification (germline): Uncertain significance (1 of 4 stars; one submission).

Conditions:
Catecholaminergic polymorphic ventricular tachycardia 1. Also called: VENTRICULAR TACHYCARDIA, CATECHOLAMINERGIC POLYMORPHIC, 1, WITH OR WITHOUT ATRIAL DYSFUNCTION AND/OR DILATED CARDIOMYOPATHY; RYR2-Related Catecholaminergic Polymorphic Ventricular Tachycardia; VENTRICULAR TACHYCARDIA, STRESS-INDUCED POLYMORPHIC 1. Identifiers: Orphanet 3286, MedGen C1631597, MONDO:0011484, OMIM 604772.

Submission:

Labcorp Genetics (formerly Invitae), Labcorp
Classification: Uncertain significance for Catecholaminergic polymorphic ventricular tachycardia 1. Last evaluated: 2022-05-14. Review status: criteria provided, single submitter. Criteria: Invitae Variant Classification Sherloc (09022015). Collection method: clinical testing. Allele origin: germline.
Comment: In summary, the available evidence is currently insufficient to determine the role of this variant in disease. Therefore, it has been classified as a Variant of Uncertain Significance. This variant has not been reported in the literature in individuals affected with RYR2-related conditions. This variant is not present in population databases (gnomAD no frequency). This sequence change creates a premature translational stop signal (p.Phe4129Serfs*62) in the RYR2 gene. It is expected to result in an absent or disrupted protein product. However, the current clinical and genetic evidence is not sufficient to establish whether loss-of-function variants in RYR2 cause disease.

NM_001035.3(RYR2):c.12386del (p.Phe4129fs)

Gene: RYR2 (ryanodine receptor 2; plus strand). Cytogenetic location: 1q43.
Variant type: Deletion.
Coding change: c.12386del on transcript NM_001035.3 (MANE Select); coding-DNA position 12386, one base deleted (T; older notation c.12386delT).
Protein change: p.Phe4129fs; shifts the reading frame from phenylalanine 4129.
Molecular consequence: frameshift variant.
Genome position (GRCh38, 1-based): chr1:237,784,098, T deleted; the last of 3 consecutive T bases (chr1:237,784,096-237,784,098); deleting any one gives the same sequence. VCF-style (leftmost placement, unchanged base first): chr1-237784095-AT-A. GRCh37 (hg19) VCF-style: chr1-237947395-AT-A.
Other names: short protein forms F4129fs.
Identifiers: ClinVar variation 2078285 (VCV002078285.4), dbSNP rs2527782538, ClinGen allele CA2580062461.
Genomic context (GRCh38, chr1:237,784,095, plus strand): 5'-ACATGCCCAACGATACCCGACTTCAGACTTTTCTGGAATTAGCAGAGAGCGTCCTGAATT[AT>A]TTCCAGCCCTTTCTGGGCCGCATCGAAATCATGGGAAGCGCCAAACGCATCGAGAGGGTC-3'